The following is an entry in ClinVar:

ClinVar aggregate classification (germline): Benign (0 of 4 stars; one submission).

Conditions:
CFAP44-related disorder. Also called: CFAP44-related condition.

Allele frequency attached by ClinVar (database versions not stated): 1000 Genomes Project 30x 0.01093; 1000 Genomes Project 0.01098; TOPMed 0.02275; ExAC 0.02333; gnomAD 0.02365; ESP Exome Variant Server 0.02638; gnomAD exomes 0.03180.
gnomAD v4.1: 49,329 of 1,596,420 alleles (3.1%); highest among the groups gnomAD compares: Non-Finnish European, 3.7%; 926 homozygotes.

Submission:

PreventionGenetics, part of Exact Sciences
Classification: Benign for CFAP44-related condition. Last evaluated: 2019-03-05. Review status: no assertion criteria provided. Collection method: clinical testing. Allele origin: germline.
Comment: This variant is classified as benign based on ACMG/AMP sequence variant interpretation guidelines (Richards et al. 2015 PMID: 25741868, with internal and published modifications).

NM_001164496.2(CFAP44):c.2458A>G (p.Met820Val)

Genes: CFAP44 (cilia and flagella associated protein 44; minus strand), SPICE1-CFAP44 (SPICE1-CFAP44 readthrough (NMD candidate); minus strand). Cytogenetic location: 3q13.2.
Variant type: single nucleotide variant.
Coding change: c.2458A>G on transcript NM_001164496.2 (MANE Select); coding-DNA position 2458, A replaced by G.
Protein change: p.Met820Val; replaces methionine 820 with valine.
Molecular consequence: missense variant. On other transcripts: non-coding transcript variant (5).
Genome position (GRCh38, 1-based): chr3:113,366,296, T>C on the plus strand (A>G on the coding strand, the complement: CFAP44 is on the minus strand). VCF-style: chr3-113366296-T-C. GRCh37 (hg19) VCF-style: chr3-113085143-T-C.
Other names: c.2458A>G, p.Met820Val (NM_018338.3); short protein forms M820V.
Identifiers: ClinVar variation 3038204 (VCV003038204.2), dbSNP rs74521061, ClinGen allele CA2543880.